The following is an entry in ClinVar:

NM_004171.4(SLC1A2):c.1698G>A (p.Glu566=)

Gene: SLC1A2 (solute carrier family 1 member 2; minus strand). Cytogenetic location: 11p13.
Variant type: single nucleotide variant.
Coding change: c.1698G>A on transcript NM_004171.4 (MANE Select); coding-DNA position 1698, G replaced by A.
Protein change: p.Glu566=; no amino-acid change (glutamic acid 566 retained).
Molecular consequence: synonymous variant.
Genome position (GRCh38, 1-based): chr11:35,260,921, C>T on the plus strand (G>A on the coding strand, the complement: SLC1A2 is on the minus strand). VCF-style: chr11-35260921-C-T. GRCh37 (hg19) VCF-style: chr11-35282468-C-T.
Other names: c.1671G>A, p.Glu557= (NM_001195728.3, NM_001252652.2).
Identifiers: ClinVar variation 771955 (VCV000771955.11), dbSNP rs114945303, ClinGen allele CA5946992.
Genomic context (GRCh38, chr11:35,260,921, plus strand): 5'-AGTTTATTCAAGAATTTGCTGAGACTCATATCCTTATTTCTCACGTTTCCAAGGTTCTTC[C>T]TCAACACTGCAGTCGGCTGACTTTCCATTGGCTGCCAGAGTTACCTGAAAATAATTATCA-3'
Protein context (NP_004162.2, residues 556-574): ANGKSADCSV[Glu566=]EEPWKREK

ClinVar aggregate classification (germline): Benign/Likely benign. Review status: criteria provided, multiple submitters, no conflicts (2 of 4 stars). 3 submissions from 3 submitters: Benign (1); Likely benign (1). 1 of the submissions does not count toward it. Last evaluated 2026-01-19.

Conditions:
SLC1A2-related disorder. Also called: SLC1A2-related condition.

Allele frequency attached by ClinVar (database versions not stated): gnomAD exomes 0.00025 and 0.00070; ExAC 0.00091; 1000 Genomes Project 0.00220; 1000 Genomes Project 30x 0.00234; gnomAD 0.00245 and 0.00264; ESP Exome Variant Server 0.00277; TOPMed 0.00290.
gnomAD v4.1: 757 of 1,613,706 alleles (0.047%); highest among the groups gnomAD compares: African/African-American, 0.83%; no homozygotes.

Submissions (3):

Labcorp Genetics (formerly Invitae), Labcorp
Classification: Benign. Last evaluated: 2026-01-19. Review status: criteria provided, single submitter. Criteria: Invitae Variant Classification Sherloc (09022015). Collection method: clinical testing. Allele origin: germline.

Blueprint Genetics
Classification: Likely benign. Last evaluated: 2024-10-17. Review status: criteria provided, single submitter. Criteria: ACMG Guidelines, 2015. Collection method: clinical testing. Allele origin: germline.

PreventionGenetics, part of Exact Sciences
Classification: Benign for SLC1A2-related condition. Last evaluated: 2024-06-17. Review status: no assertion criteria provided. Collection method: clinical testing. Allele origin: germline. Not counted in ClinVar's aggregate classification.
Comment: This variant is classified as benign based on ACMG/AMP sequence variant interpretation guidelines (Richards et al. 2015 PMID: 25741868, with internal and published modifications).